The following is an entry in ClinVar:

NM_000719.7(CACNA1C):c.1114-587G>A

Gene: CACNA1C (calcium voltage-gated channel subunit alpha1 C; plus strand). Cytogenetic location: 12p13.33.
Variant type: single nucleotide variant.
Coding change: c.1114-587G>A on transcript NM_000719.7 (MANE Select); 587 bases into the intron before coding-DNA position 1114, G replaced by A.
Molecular consequence: intron variant.
Genome position (GRCh38, 1-based): chr12:2,504,255, G>A. VCF-style: chr12-2504255-G-A. GRCh37 (hg19) VCF-style: chr12-2613421-G-A.
Other names: c.1114-181G>A (NM_001167624.3, NM_001167623.2, NM_001167625.2 and 1 more transcripts); c.1114-587G>A (NM_199460.4, NM_001129827.2, NM_001129832.2 and 14 more transcripts); c.1105-587G>A (NM_001129844.2).
Identifiers: ClinVar variation 674654 (VCV000674654.5), dbSNP rs17223925, ClinGen allele CA231605914.

ClinVar aggregate classification (germline): Benign/Likely benign. Review status: criteria provided, multiple submitters, no conflicts (2 of 4 stars). 2 submissions from 2 submitters: Benign (1); Likely benign (1). Last evaluated 2019-12-31.

Conditions:
Long QT syndrome (LQTS). Identifiers: MedGen C0023976, MeSH D008133, MONDO:0002442. Disease mechanism: loss of function. Inheritance: Various modes of inheritance.

Allele frequency attached by ClinVar (database versions not stated): 1000 Genomes Project 0.01797; 1000 Genomes Project 30x 0.01858; gnomAD 0.02405 and 0.02407; TOPMed 0.02538.
gnomAD v4.1: 3,651 of 152,154 alleles (2.4%); highest among the groups gnomAD compares: Admixed American, 4.5%; 70 homozygotes.

Submissions (2):

Labcorp Genetics (formerly Invitae), Labcorp
Classification: Benign for Long QT syndrome. Last evaluated: 2019-12-31. Review status: criteria provided, single submitter. Criteria: Invitae Variant Classification Sherloc (09022015). Collection method: clinical testing. Allele origin: germline.

GeneDx
Classification: Likely benign. Last evaluated: 2018-06-14. Review status: criteria provided, single submitter. Criteria: GeneDx Variant Classification (06012015). Collection method: clinical testing. Allele origin: germline. Affected: yes.
Comment: This variant is considered likely benign or benign based on one or more of the following criteria: it is a conservative change, it occurs at a poorly conserved position in the protein, it is predicted to be benign by multiple in silico algorithms, and/or has population frequency not consistent with disease.